The following is an entry in ClinVar:

ClinVar aggregate classification (germline): Pathogenic (1 of 4 stars; one submission).

Conditions:
TH-deficient dopa-responsive dystonia. Also called: Segawa syndrome, autosomal recessive; Tyrosine Hydroxylase-Deficient Dopa-Responsive Dystonia; DYT-TH. Identifiers: Orphanet 101150, MedGen C2673535, MONDO:0011551, OMIM 605407.

Submission:

Labcorp Genetics (formerly Invitae), Labcorp
Classification: Pathogenic for TH-deficient dopa-responsive dystonia. Last evaluated: 2019-01-23. Review status: criteria provided, single submitter. Criteria: Invitae Variant Classification Sherloc (09022015). Collection method: clinical testing. Allele origin: germline.
Comment: This sequence change creates a premature translational stop signal (p.Glu362*) in the TH gene. It is expected to result in an absent or disrupted protein product. For these reasons, this variant has been classified as Pathogenic. Loss-of-function variants in TH are known to be pathogenic (PMID: 11160968, 24753243). This variant has not been reported in the literature in individuals with TH-related conditions. This variant is not present in population databases (ExAC no frequency).

Literature cited by the submitters: PubMed 11160968; PubMed 24753243.

NM_000360.4(TH):c.991G>T (p.Glu331Ter)

Gene: TH (tyrosine hydroxylase; minus strand). Cytogenetic location: 11p15.5.
Variant type: single nucleotide variant.
Coding change: c.991G>T on transcript NM_000360.4 (MANE Select); coding-DNA position 991, G replaced by T.
Protein change: p.Glu331Ter; replaces glutamic acid 331 with a stop codon.
Molecular consequence: nonsense.
Genome position (GRCh38, 1-based): chr11:2,166,536, C>A on the plus strand (G>T on the coding strand, the complement: TH is on the minus strand). VCF-style: chr11-2166536-C-A. GRCh37 (hg19) VCF-style: chr11-2187766-C-A.
Other names: c.1084G>T, p.Glu362Ter (NM_199292.3); c.1072G>T, p.Glu358Ter (NM_199293.3); short protein forms E331*, E362*, E358*.
Identifiers: ClinVar variation 840013 (VCV000840013.7), dbSNP rs1260079066, ClinGen allele CA379126039.
Genomic context (GRCh38, chr11:2,166,536, plus strand): 5'-GTACCTGCGAGAACTGCGCGAAGGTGCGGTCGGCCAGCATGGGCACGTGCCCCAGCAGCT[C>A]GTGGCAGCAGTCCCTGCGCGTAGGAGGGAGAAGGGGGCTGAGGGGCCGCCCGTCGCACCC-3'